The following is an entry in ClinVar:

NM_004281.4(BAG3):c.84C>G (p.Ile28Met)

Gene: BAG3 (BAG cochaperone 3; plus strand). Cytogenetic location: 10q26.11.
Variant type: single nucleotide variant.
Coding change: c.84C>G on transcript NM_004281.4 (MANE Select); coding-DNA position 84, C replaced by G.
Protein change: p.Ile28Met; replaces isoleucine 28 with methionine.
Molecular consequence: missense variant.
Genome position (GRCh38, 1-based): chr10:119,651,759, C>G. VCF-style: chr10-119651759-C-G. GRCh37 (hg19) VCF-style: chr10-121411271-C-G.
Other names: short protein forms I28M.
Identifiers: ClinVar variation 2928803 (VCV002928803.2), dbSNP rs2493979773, ClinGen allele CA378294140.
Genomic context (GRCh38, chr10:119,651,759, plus strand): 5'-CATGATGCAGGTGGCGTCCGGCAACGGTGACCGCGACCCTTTGCCCCCCGGATGGGAGAT[C>G]AAGATCGACCCGCAGACCGGCTGGCCCTTCTTCGTGGACCACAACAGCCGCACCACTACG-3'
Protein context (NP_004272.2, residues 18-38): DRDPLPPGWE[Ile28Met]KIDPQTGWPF

ClinVar aggregate classification (germline): Uncertain significance. Review status: criteria provided, multiple submitters, no conflicts (2 of 4 stars). 2 submissions from 2 submitters: Uncertain significance (2). Last evaluated 2023-10-18.

Conditions:
Myofibrillar myopathy 6. Identifiers: Orphanet 199340, MedGen C2751831, MONDO:0013061, OMIM 612954.
Dilated cardiomyopathy 1HH (CMD1HH). Identifiers: Orphanet 154, MedGen C3151293, MONDO:0013479, OMIM 613881.

Submissions (2):

Blueprint Genetics
Classification: Uncertain significance. Last evaluated: 2023-10-18. Review status: criteria provided, single submitter. Criteria: ACMG Guidelines, 2015. Collection method: clinical testing. Allele origin: germline.

Labcorp Genetics (formerly Invitae), Labcorp
Classification: Uncertain significance for Dilated cardiomyopathy 1HH; Myofibrillar myopathy 6. Last evaluated: 2023-04-07. Review status: criteria provided, single submitter. Criteria: Invitae Variant Classification Sherloc (09022015). Collection method: clinical testing. Allele origin: germline.
Comment: This variant is not present in population databases (gnomAD no frequency). In summary, the available evidence is currently insufficient to determine the role of this variant in disease. Therefore, it has been classified as a Variant of Uncertain Significance. An algorithm developed to predict the effect of missense changes on protein structure and function (PolyPhen-2) suggests that this variant is likely to be disruptive. This variant has not been reported in the literature in individuals affected with BAG3-related conditions. This sequence change replaces isoleucine, which is neutral and non-polar, with methionine, which is neutral and non-polar, at codon 28 of the BAG3 protein (p.Ile28Met).